The following is an entry in ClinVar:

NM_003355.3(UCP2):c.227G>A (p.Arg76Gln)

Gene: UCP2 (uncoupling protein 2; minus strand). Cytogenetic location: 11q13.4.
Variant type: single nucleotide variant.
Coding change: c.227G>A on transcript NM_003355.3 (MANE Select); coding-DNA position 227, G replaced by A.
Protein change: p.Arg76Gln; replaces arginine 76 with glutamine.
Molecular consequence: missense variant.
Genome position (GRCh38, 1-based): chr11:73,977,996, C>T on the plus strand (G>A on the coding strand, the complement: UCP2 is on the minus strand). VCF-style: chr11-73977996-C-T. GRCh37 (hg19) VCF-style: chr11-73689041-C-T.
Other names: c.227G>A, p.Arg76Gln (NM_001381943.1, NM_001381944.1, NM_001381945.1 and 4 more transcripts); short protein forms R76Q.
Identifiers: ClinVar variation 437199 (VCV000437199.20), dbSNP rs45541732, ClinGen allele CA6181209.

ClinVar aggregate classification (germline): Benign/Likely benign. Review status: criteria provided, multiple submitters, no conflicts (2 of 4 stars). 6 submissions from 6 submitters: Benign (1); Likely benign (4). 1 of the submissions does not count toward it. Last evaluated 2025-12-25.

Conditions:
UCP2-related disorder. Also called: UCP2-related condition.
BODY MASS INDEX QUANTITATIVE TRAIT LOCUS 4 (BMIQ4). Also called: OBESITY (BMIQ4), SUSCEPTIBILITY TO. Identifiers: MedGen C1843898, OMIM 607447.

Allele frequency attached by ClinVar (database versions not stated): gnomAD exomes 0.00039 and 0.00070; ExAC 0.00085; gnomAD 0.00240 and 0.00252; TOPMed 0.00296; ESP Exome Variant Server 0.00362; 1000 Genomes Project 0.00379; 1000 Genomes Project 30x 0.00390.

Submissions (6):

Labcorp Genetics (formerly Invitae), Labcorp
Classification: Likely benign. Last evaluated: 2025-12-25. Review status: criteria provided, single submitter. Criteria: Invitae Variant Classification Sherloc (09022015). Collection method: clinical testing. Allele origin: germline.

Genomic Medicine Center of Excellence, King Faisal Specialist Hospital and Research Centre
Classification: Likely benign. Last evaluated: 2025-08-18. Review status: criteria provided, single submitter. Criteria: ACMG Guidelines, 2015. Collection method: clinical testing. Allele origin: germline.

Fulgent Genetics
Classification: Likely benign for BODY MASS INDEX QUANTITATIVE TRAIT LOCUS 4. Last evaluated: 2021-08-31. Review status: criteria provided, single submitter. Criteria: ACMG Guidelines, 2015. Collection method: clinical testing. Allele origin: unknown.

Genetic Services Laboratory, University of Chicago
Classification: Benign. Last evaluated: 2017-05-02. Review status: criteria provided, single submitter. Criteria: ACMG Guidelines, 2015. Collection method: clinical testing. Allele origin: germline. Affected: no.

Breakthrough Genomics
Classification: Likely benign. Review status: criteria provided, single submitter. Criteria: ACMG Guidelines, 2015. Collection method: not provided. Allele origin: germline. Inheritance: Unknown mechanism. Affected: yes.

PreventionGenetics, part of Exact Sciences
Classification: Benign for UCP2-related condition. Last evaluated: 2022-06-27. Review status: no assertion criteria provided. Collection method: clinical testing. Allele origin: germline. Not counted in ClinVar's aggregate classification.
Comment: This variant is classified as benign based on ACMG/AMP sequence variant interpretation guidelines (Richards et al. 2015 PMID: 25741868, with internal and published modifications).